The following is an entry in ClinVar:

NM_020987.5(ANK3):c.4705T>G (p.Ser1569Ala)

Gene: ANK3 (ankyrin 3; minus strand). Cytogenetic location: 10q21.2.
Variant type: single nucleotide variant.
Coding change: c.4705T>G on transcript NM_020987.5 (MANE Select); coding-DNA position 4705, T replaced by G.
Protein change: p.Ser1569Ala; replaces serine 1569 with alanine.
Molecular consequence: missense variant. On other transcripts: intron variant (4).
Genome position (GRCh38, 1-based): chr10:60,076,176, A>C on the plus strand (T>G on the coding strand, the complement: ANK3 is on the minus strand). VCF-style: chr10-60076176-A-C. GRCh37 (hg19) VCF-style: chr10-61835934-A-C.
Other names: c.4705T>G (NM_020987.4); c.4387+4361T>G (NM_001204403.2); c.4408+4361T>G (NM_001204404.2); c.4405+4361T>G (NM_001320874.2); c.1807+4361T>G (NM_001149.4); short protein forms S1569A.
Identifiers: ClinVar variation 88649 (VCV000088649.8), dbSNP rs375050420, ClinGen allele CA5512123.
Genomic context (GRCh38, chr10:60,076,176, plus strand): 5'-GAGATTGTGACACCACAGTTTTTATCGGCGAAGACATTGTCCGAAAGGATCTAATTGGAG[A>C]TGCCACGTCACTAATGGATTTAACTGAAGATGTAGTTGACGCGCCTAATGTGGATTTGAT-3'
Protein context (NP_066267.2, residues 1559-1579): SSVKSISDVA[Ser1569Ala]PIRSFRTMSS

ClinVar aggregate classification (germline): Uncertain significance. Review status: criteria provided, multiple submitters, no conflicts (2 of 4 stars). 6 submissions from 6 submitters: Uncertain significance (3). 3 of the submissions do not count toward it. Last evaluated 2023-04-06.

Conditions:
Autism (AUTS). Also called: Autistic disorder of childhood onset; Autistic disorder. Identifiers: MedGen C0004352, MeSH D001321, MONDO:0005260, OMIM 209850, HP:0000717.
Intellectual developmental disorder, autosomal recessive 37. Also called: Intellectual disability-hypotonia-spasticity-sleep disorder syndrome. Identifiers: Orphanet 356996, MedGen C3809672, MONDO:0014210, OMIM 615493.

Allele frequency attached by ClinVar (database versions not stated): gnomAD 0.00001; TOPMed 0.00003; gnomAD exomes 0.00005 and 0.00006; ExAC 0.00007; ESP Exome Variant Server 0.00008.
gnomAD v4.1: 72 of 1,614,188 alleles (0.0045%); highest among the groups gnomAD compares: Middle Eastern, 0.51%; 3 homozygotes.

Submissions (6):

Women's Health and Genetics/Laboratory Corporation of America, LabCorp
Classification: Uncertain significance. Last evaluated: 2023-04-06. Review status: criteria provided, single submitter. Criteria: LabCorp Variant Classification Summary - May 2015. Collection method: clinical testing. Allele origin: germline.
Comment: Variant summary: ANK3 c.4705T>G (p.Ser1569Ala) results in a conservative amino acid change in the encoded protein sequence. Three of five in-silico tools predict a benign effect of the variant on protein function. The variant allele was found at a frequency of 5.6e-05 in 251208 control chromosomes. c.4705T>G has been reported in the literature as a confirmed de novo mutation in two unrelated heterozygous individuals affected with autism spectrum disorder (Bi_2012). However, the link between ANK3 and autism has not been confirmed (OMIM), and this report does not provide unequivocal conclusions about association of the variant with Mental Retardation, Autosomal Recessive 37. To our knowledge, no experimental evidence demonstrating an impact on protein function has been reported. Two submitters have provided clinical-significance assessments for this variant to ClinVar after 2014, and classified the variant as uncertain significance. Based on the evidence outlined above, the variant was classified as uncertain significance.

Baylor Genetics
Classification: Uncertain significance for Intellectual developmental disorder, autosomal recessive 37. Last evaluated: 2020-07-13. Review status: criteria provided, single submitter. Criteria: ACMG Guidelines, 2015. Collection method: clinical testing. Allele origin: unknown. Affected: yes.
Comment: This variant was determined to be of uncertain significance according to ACMG Guidelines, 2015 [PMID:25741868].

New York Genome Center
Classification: Uncertain significance for Intellectual developmental disorder, autosomal recessive 37. Last evaluated: 2020-07-03. Review status: criteria provided, single submitter. Criteria: NYGC Assertion Criteria 2020. Collection method: clinical testing. Allele origin: inherited. Observed: 1 heterozygote. Study: CSER-NYCKidSeq.

OMIM
Classification: Uncertain significance for VARIANT OF UNKNOWN SIGNIFICANCE. Last evaluated: 2012-12-01. Review status: no assertion criteria provided. Collection method: literature only. Allele origin: germline. Not counted in ClinVar's aggregate classification.

Clinical Genetics DNA and cytogenetics Diagnostics Lab, Erasmus MC, Erasmus Medical Center
Classification: Uncertain significance. Review status: no assertion criteria provided. Collection method: clinical testing. Allele origin: germline. Affected: yes. Study: VKGL Data-share Consensus. Not counted in ClinVar's aggregate classification.

Joint Genome Diagnostic Labs from Nijmegen and Maastricht, Radboudumc and MUMC+
Classification: Uncertain significance. Review status: no assertion criteria provided. Collection method: clinical testing. Allele origin: germline. Affected: yes. Study: VKGL Data-share Consensus. Not counted in ClinVar's aggregate classification.

Literature cited by the submitters: PubMed 22865819 (cited by Women's Health and Genetics/Laboratory Corporation of America, LabCorp and OMIM).